The following is an entry in ClinVar:

NM_000161.3(GCH1):c.578T>A (p.Ile193Asn)

Gene: GCH1 (GTP cyclohydrolase 1; minus strand). Cytogenetic location: 14q22.2.
Variant type: single nucleotide variant.
Coding change: c.578T>A on transcript NM_000161.3 (MANE Select); coding-DNA position 578, T replaced by A.
Protein change: p.Ile193Asn; replaces isoleucine 193 with asparagine.
Molecular consequence: missense variant.
Genome position (GRCh38, 1-based): chr14:54,845,816, A>T on the plus strand (T>A on the coding strand, the complement: GCH1 is on the minus strand). VCF-style: chr14-54845816-A-T. GRCh37 (hg19) VCF-style: chr14-55312534-A-T.
Other names: c.578T>A, p.Ile193Asn (NM_001024024.2, NM_001024070.2, NM_001024071.2); short protein forms I193N.
Identifiers: ClinVar variation 1066262 (VCV001066262.9), dbSNP rs2140041744, ClinGen allele CA389787347.

ClinVar aggregate classification (germline): Likely pathogenic (1 of 4 stars; one submission).

Conditions:
Dystonia 5 (DRD). Also called: Dystonia, DOPA-responsive, with or without hyperphenylalaninemia; DYT-GCH1; GTP Cyclohydrolase 1-Deficient Dopa-Responsive Dystonia; DYSTONIA, PROGRESSIVE, WITH DIURNAL VARIATION; DYSTONIA-PARKINSONISM WITH DIURNAL FLUCTUATION. Identifiers: Orphanet 98808, MedGen C1851920, MONDO:0007495, OMIM 128230.
GTP cyclohydrolase I deficiency. Identifiers: MedGen C0268467, MONDO:0100184.

Submission:

Labcorp Genetics (formerly Invitae), Labcorp
Classification: Likely pathogenic for GTP cyclohydrolase I deficiency; Dystonia 5. Last evaluated: 2020-11-14. Review status: criteria provided, single submitter. Criteria: Invitae Variant Classification Sherloc (09022015). Collection method: clinical testing. Allele origin: germline.
Comment: This variant is not present in population databases (ExAC no frequency). This variant has been observed in individual(s) with clinical features of dopa-responsive dystonia (PMID: 24474670, Invitae). Advanced modeling of protein sequence and biophysical properties (such as structural, functional, and spatial information, amino acid conservation, physicochemical variation, residue mobility, and thermodynamic stability) performed at Invitae indicates that this missense variant is expected to disrupt GCH1 protein function. In summary, the currently available evidence indicates that the variant is pathogenic, but additional data are needed to prove that conclusively. Therefore, this variant has been classified as Likely Pathogenic. This sequence change replaces isoleucine with asparagine at codon 193 of the GCH1 protein (p.Ile193Asn). The isoleucine residue is moderately conserved and there is a large physicochemical difference between isoleucine and asparagine.

Literature cited by the submitters: PubMed 24474670.